The following is an entry in ClinVar:

NM_002764.4(PRPS1):c.671A>G (p.Asp224Gly)

Gene: PRPS1 (phosphoribosyl pyrophosphate synthetase 1; plus strand). Cytogenetic location: Xq22.3.
Variant type: single nucleotide variant.
Coding change: c.671A>G on transcript NM_002764.4 (MANE Select); coding-DNA position 671, A replaced by G.
Protein change: p.Asp224Gly; replaces aspartic acid 224 with glycine.
Molecular consequence: missense variant.
Genome position (GRCh38, 1-based): chrX:107,645,317, A>G. VCF-style: chrX-107645317-A-G. GRCh37 (hg19) VCF-style: chrX-106888547-A-G.
Other names: c.59A>G, p.Asp20Gly (NM_001204402.2); short protein forms D224G, D20G.
Identifiers: ClinVar variation 1363459 (VCV001363459.8), dbSNP rs2147684832, ClinGen allele CA413812681.
Genomic context (GRCh38, chrX:107,645,317, plus strand): 5'-GCATGGTGCTTGTGGGAGATGTGAAGGATCGGGTGGCCATCCTTGTGGATGACATGGCTG[A>G]CACTTGTGGCACAATCTGCCATGCAGCTGACAAGTAAGTGTGGATTGATGGGGCTGGTAG-3'
Protein context (NP_002755.1, residues 214-234): RVAILVDDMA[Asp224Gly]TCGTICHAAD

ClinVar aggregate classification (germline): Uncertain significance (1 of 4 stars; one submission).

Conditions:
Charcot-Marie-Tooth Neuropathy X. Identifiers: MedGen CN118851.

Submission:

Labcorp Genetics (formerly Invitae), Labcorp
Classification: Uncertain significance for Charcot-Marie-Tooth Neuropathy X. Last evaluated: 2024-02-23. Review status: criteria provided, single submitter. Criteria: Invitae Variant Classification Sherloc (09022015). Collection method: clinical testing. Allele origin: germline.
Comment: This sequence change replaces aspartic acid, which is acidic and polar, with glycine, which is neutral and non-polar, at codon 224 of the PRPS1 protein (p.Asp224Gly). This variant is not present in population databases (gnomAD no frequency). This variant has not been reported in the literature in individuals affected with PRPS1-related conditions. ClinVar contains an entry for this variant (Variation ID: 1363459). Advanced modeling of protein sequence and biophysical properties (such as structural, functional, and spatial information, amino acid conservation, physicochemical variation, residue mobility, and thermodynamic stability) performed at Invitae indicates that this missense variant is expected to disrupt PRPS1 protein function with a positive predictive value of 80%. In summary, the available evidence is currently insufficient to determine the role of this variant in disease. Therefore, it has been classified as a Variant of Uncertain Significance.